The following is an entry in ClinVar:

ClinVar aggregate classification (germline): Pathogenic (1 of 4 stars; one submission).

Conditions:
Achromatopsia. Also called: Rod monochromatism. Identifiers: Orphanet 49382, MedGen C0152200, MONDO:0018852, HP:0011516.

Submission:

Lab De Baere, Eye and Developmental Genetics Lab, Ghent University
Classification: Pathogenic for Achromatopsia. Last evaluated: 2024-10-01. Review status: criteria provided, single submitter. Criteria: ACMG Guidelines, 2015. Collection method: research. Allele origin: inherited. Affected: yes. Observed: 1 variant allele.
Comment: ACMG/AMP guidelines: PM2, PVS1, PP1, PM3_PP

NM_001377295.2(GNAT2):c.591_597delinsCA (p.Arg197fs)

Genes: GNAT2 (G protein subunit alpha transducin 2; minus strand), LOC129388577 (MPRA-validated peak357 silencer; plus strand). Cytogenetic location: 1p13.3.
Variant type: Indel.
Coding change: c.591_597delinsCA on transcript NM_001377295.2 (MANE Select); coding-DNA positions 591 to 597, GATGTTT replaced by CA.
Protein change: p.Arg197fs; shifts the reading frame from arginine 197.
Molecular consequence: frameshift variant.
Genome position (GRCh38, 1-based): chr1:109,606,093-109,606,099, AAACATC replaced by TG on the plus strand (GATGTTT replaced by CA on the coding strand, the reverse complement: GNAT2 is on the minus strand). VCF-style: chr1-109606093-AAACATC-TG. GRCh37 (hg19) VCF-style: chr1-110148715-AAACATC-TG.
Other names: c.591_597delinsCA, p.Arg197fs (NM_001379232.1, NM_005272.5); short protein forms R197fs.
Identifiers: ClinVar variation 3544452 (VCV003544452.1).
Genomic context (GRCh38, chr1:109,606,093, plus strand): 5'-GGTGACTCCCTCGAAGCAGTGGATCCACTTCTTTCTCTCGGATCTCTGCCCTCCCACATC[AAACATC>TG]CTGAGGGAAGAAGCAGCTATTTTCATAGGTATGCCCAACATACGACCTATATGCCTTTGA-3'